The following is an entry in ClinVar:

ClinVar aggregate classification (germline): Likely benign (1 of 4 stars; one submission).

Allele frequency attached by ClinVar (database versions not stated): gnomAD exomes below 0.00001; TOPMed below 0.00001; gnomAD 0.00001; ESP Exome Variant Server 0.00008.
gnomAD v4.1: 3 of 1,613,816 alleles (0.00019%); highest among the groups gnomAD compares: Non-Finnish European, 0.00025%; no homozygotes.

Submission:

CeGaT Center for Human Genetics Tuebingen
Classification: Likely benign. Last evaluated: 2022-04-01. Review status: criteria provided, single submitter. Criteria: CeGaT Center For Human Genetics Tuebingen Variant Classification Criteria Version 2. Collection method: clinical testing. Allele origin: germline. Affected: yes. Observed: 1 variant allele.
Comment: ACTG1: BP4, BP7

NM_001614.5(ACTG1):c.648G>A (p.Leu216=)

Gene: ACTG1 (actin gamma 1; minus strand). Cytogenetic location: 17q25.3.
Variant type: single nucleotide variant.
Coding change: c.648G>A on transcript NM_001614.5 (MANE Select); coding-DNA position 648, G replaced by A.
Protein change: p.Leu216=; no amino-acid change (leucine 216 retained).
Molecular consequence: synonymous variant. On other transcripts: non-coding transcript variant (1).
Genome position (GRCh38, 1-based): chr17:81,511,342, C>T on the plus strand (G>A on the coding strand, the complement: ACTG1 is on the minus strand). VCF-style: chr17-81511342-C-T. GRCh37 (hg19) VCF-style: chr17-79478368-C-T.
Other names: c.648G>A, p.Leu216= (NM_001199954.3).
Identifiers: ClinVar variation 2648458 (VCV002648458.24), dbSNP rs374707507, ClinGen allele CA295068289.